The following is an entry in ClinVar:

ClinVar aggregate classification (germline): Uncertain significance (1 of 4 stars; one submission).

Submission:

Medical Genetic Center, Changzhi Maternal and Child Health Care Hospital
Classification: Uncertain significance. Last evaluated: 2025-12-10. Review status: criteria provided, single submitter. Criteria: ACMG/ClinGen CNV Guidelines, 2019. Collection method: clinical testing. Allele origin: unknown.

GRCh38/hg38 6q16.3(chr6:104527148-104783520)x1

Genes: HACE1 (HECT domain and ankyrin repeat containing E3 ubiquitin protein ligase 1; minus strand), LOC110121109 (VISTA enhancer hs1452; plus strand), LOC113121300 (Sharpr-MPRA regulatory region 1651; plus strand), LOC129389593 (MPRA-validated peak5988 silencer; plus strand). Cytogenetic location: 6q16.3.
Variant type: copy number loss.
Change: copy number 1 (one copy instead of two) of chr6:104,527,148-104,783,520 (256.4 kb, GRCh38 coordinates, 1-based), cytogenetic band 6q16.3.
Identifiers: ClinVar variation 4796202 (VCV004796202.1).